The following is an entry in ClinVar:

NM_001040142.2(SCN2A):c.1283A>G (p.Tyr428Cys)

Gene: SCN2A (sodium voltage-gated channel alpha subunit 2; plus strand). Cytogenetic location: 2q24.3.
Variant type: single nucleotide variant.
Coding change: c.1283A>G on transcript NM_001040142.2 (MANE Select); coding-DNA position 1283, A replaced by G.
Protein change: p.Tyr428Cys; replaces tyrosine 428 with cysteine.
Molecular consequence: missense variant.
Genome position (GRCh38, 1-based): chr2:165,314,008, A>G. VCF-style: chr2-165314008-A-G. GRCh37 (hg19) VCF-style: chr2-166170518-A-G.
Other names: p.Y428C:TAT>TGT; c.1283A>G, p.Tyr428Cys (NM_001040143.2, NM_001371246.1, NM_001371247.1 and 1 more transcripts); short protein forms Y428C.
Identifiers: ClinVar variation 207054 (VCV000207054.8), dbSNP rs796053182, ClinGen allele CA318114.

ClinVar aggregate classification (germline): Pathogenic/Likely pathogenic. Review status: criteria provided, multiple submitters, no conflicts (2 of 4 stars). 3 submissions from 3 submitters: Pathogenic (1); Likely pathogenic (2). Last evaluated 2026-04-14.

Conditions:
Complex neurodevelopmental disorder. Identifiers: Orphanet 528084, MedGen C5568766, MONDO:0100038.
SCN2A-related disorder. Also called: SCN2A-related disorders; SCN2A-related condition. Identifiers: MedGen CN382226, MONDO:1060245.

Submissions (3):

Dasa
Classification: Likely pathogenic. Last evaluated: 2026-04-14. Review status: criteria provided, single submitter. Criteria: DASA Assertion Criteria. Collection method: clinical testing. Allele origin: germline.
Comment: NM_001040142.2(SCN2A):c.1283A>G (p.Tyr428Cys) is a missense variant that results in the substitution of tyrosine with cysteine. This variant has been recurrently observed in individuals with SCN2A-related disorders (PMID: 38766206; PMID: 38651838; PMID: 31439038). This variant has been reported as a de novo occurrence in an affected individual (PMID: 38766206; PMID: 38651838; PMID: 31439038). Also, this variant is absent from population databases. Computational evidence supports a deleterious effect. Based on the currently available evidence, this variant is classified as likely pathogenic.

GeneDx
Classification: Pathogenic. Last evaluated: 2025-10-03. Review status: criteria provided, single submitter. Criteria: GeneDx Variant Classification Process June 2021. Collection method: clinical testing. Allele origin: germline. Affected: yes.
Comment: This substitution is predicted to be in the cytoplasmic loop between the first and second homologous domains; Not observed at significant frequency in large population cohorts (gnomAD); In silico analysis supports that this missense variant has a deleterious effect on protein structure/function; This variant is associated with the following publications: (PMID: 35052376, 33057194, 35982159, 38766206, 29655203, 38651838, 31439038)

Blueprint Genetics
Classification: Likely pathogenic for SCN2A-related disorders. Last evaluated: 2018-08-07. Review status: criteria provided, single submitter. Criteria: ACMG Guidelines, 2015. Collection method: clinical testing. Allele origin: germline. Affected: yes. Observed: 1 variant allele.

Literature cited by the submitters: PubMed 38766206 (cited by Dasa); PubMed 38651838 (cited by Dasa); PubMed 31439038 (cited by Dasa).